The following is an entry in ClinVar:

ClinVar aggregate classification (germline): Uncertain significance. Review status: criteria provided, multiple submitters, no conflicts (2 of 4 stars). 2 submissions from 2 submitters: Uncertain significance (2). Last evaluated 2024-03-27.

Conditions:
T-cell immunodeficiency, congenital alopecia, and nail dystrophy. Also called: Congenital alopecia and nail dystrophy associated with severe functional T-cell immunodeficiency; Pignata Guarino syndrome. Identifiers: Orphanet 169095, MedGen C1866426, MONDO:0011132, OMIM 601705.
FOXN1-related disorder. Also called: FOXN1-related condition.

Allele frequency attached by ClinVar (database versions not stated): gnomAD exomes 0.00001.
gnomAD v4.1: 5 of 1,613,556 alleles (0.00031%); highest among the groups gnomAD compares: Non-Finnish European, 0.00042%; no homozygotes.

Submissions (2):

Labcorp Genetics (formerly Invitae), Labcorp
Classification: Uncertain significance for T-cell immunodeficiency, congenital alopecia, and nail dystrophy. Last evaluated: 2024-03-27. Review status: criteria provided, single submitter. Criteria: Invitae Variant Classification Sherloc (09022015). Collection method: clinical testing. Allele origin: germline.
Comment: This sequence change replaces leucine, which is neutral and non-polar, with arginine, which is basic and polar, at codon 397 of the FOXN1 protein (p.Leu397Arg). This variant is not present in population databases (gnomAD no frequency). This variant has not been reported in the literature in individuals affected with FOXN1-related conditions. ClinVar contains an entry for this variant (Variation ID: 2636000). Advanced modeling of protein sequence and biophysical properties (such as structural, functional, and spatial information, amino acid conservation, physicochemical variation, residue mobility, and thermodynamic stability) performed at Invitae indicates that this missense variant is not expected to disrupt FOXN1 protein function with a negative predictive value of 80%. In summary, the available evidence is currently insufficient to determine the role of this variant in disease. Therefore, it has been classified as a Variant of Uncertain Significance.

PreventionGenetics, part of Exact Sciences
Classification: Uncertain significance for FOXN1-related condition. Last evaluated: 2023-09-25. Review status: criteria provided, single submitter. Criteria: ACMG Guidelines, 2015. Collection method: clinical testing. Allele origin: germline.
Comment: The FOXN1 c.1190T>G variant is predicted to result in the amino acid substitution p.Leu397Arg. To our knowledge, this variant has not been reported in the literature or in a large population database, indicating this variant is rare. At this time, the clinical significance of this variant is uncertain due to the absence of conclusive functional and genetic evidence.

NM_001369369.1(FOXN1):c.1190T>G (p.Leu397Arg)

Gene: FOXN1 (forkhead box N1; plus strand). Cytogenetic location: 17q11.2.
Variant type: single nucleotide variant.
Coding change: c.1190T>G on transcript NM_001369369.1 (MANE Select); coding-DNA position 1190, T replaced by G.
Protein change: p.Leu397Arg; replaces leucine 397 with arginine.
Molecular consequence: missense variant.
Genome position (GRCh38, 1-based): chr17:28,534,761, T>G. VCF-style: chr17-28534761-T-G. GRCh37 (hg19) VCF-style: chr17-26861779-T-G.
Other names: c.1190T>G, p.Leu397Arg (NM_003593.3); short protein forms L397R.
Identifiers: ClinVar variation 2636000 (VCV002636000.3), dbSNP rs2508427069, ClinGen allele CA398325447.